The following is an entry in ClinVar:

ClinVar aggregate classification (germline): Likely benign (0 of 4 stars; one submission).

Conditions:
TDO2-related disorder. Also called: TDO2-related condition.

Allele frequency attached by ClinVar (database versions not stated): gnomAD 0.00002; TOPMed 0.00003; ExAC 0.00007; gnomAD exomes 0.00007.

Submission:

PreventionGenetics, part of Exact Sciences
Classification: Likely benign for TDO2-related condition. Last evaluated: 2019-09-25. Review status: no assertion criteria provided. Collection method: clinical testing. Allele origin: germline.
Comment: This variant is classified as likely benign based on ACMG/AMP sequence variant interpretation guidelines (Richards et al. 2015 PMID: 25741868, with internal and published modifications).

NM_005651.4(TDO2):c.678T>C (p.Leu226=)

Gene: TDO2 (tryptophan 2,3-dioxygenase; plus strand). Cytogenetic location: 4q32.1.
Variant type: single nucleotide variant.
Coding change: c.678T>C on transcript NM_005651.4 (MANE Select); coding-DNA position 678, T replaced by C.
Protein change: p.Leu226=; no amino-acid change (leucine 226 retained).
Molecular consequence: synonymous variant.
Genome position (GRCh38, 1-based): chr4:155,911,556, T>C. VCF-style: chr4-155911556-T-C. GRCh37 (hg19) VCF-style: chr4-156832708-T-C.
Identifiers: ClinVar variation 3040974 (VCV003040974.2), dbSNP rs754756781, ClinGen allele CA3118828.